The following is an entry in ClinVar:

ClinVar aggregate classification (germline): Uncertain significance (0 of 4 stars; one submission).

Submission:

Genetic Services Laboratory, University of Chicago
Classification: Uncertain significance. Last evaluated: 2022-12-13. Review status: no assertion criteria provided. Collection method: clinical testing. Allele origin: germline. Affected: no.
Comment: DNA sequence analysis of the ARID1A gene demonstrated a sequence change, c.3448A>C, in exon 13 that results in an amino acid change, p.Thr1150Pro. This sequence change does not appear to have been previously described in individuals with ARID1A-related disorders and has also not been described in population databases such as ExAC and gnomAD. The p.Thr1150Pro change affects a moderately conserved amino acid residue located in a domain of the ARID1A protein that is not known to be functional. In-silico pathogenicity prediction tools (SIFT, PolyPhen2, Align GVGD, REVEL) provide contradictory results for the p.Thr1150Pro substitution. Due to insufficient evidences and the lack of functional studies, the clinical significance of the p.Thr1150Pro change remains unknown at this time.

NM_006015.6(ARID1A):c.3448A>C (p.Thr1150Pro)

Genes: ARID1A (AT-rich interaction domain 1A; plus strand), LOC126805670 (CDK7 strongly-dependent group 2 enhancer GRCh37_chr1:27098665-27099864; plus strand). Cytogenetic location: 1p36.11.
Variant type: single nucleotide variant.
Coding change: c.3448A>C on transcript NM_006015.6 (MANE Select); coding-DNA position 3448, A replaced by C.
Protein change: p.Thr1150Pro; replaces threonine 1150 with proline.
Molecular consequence: missense variant.
Genome position (GRCh38, 1-based): chr1:26,772,541, A>C. VCF-style: chr1-26772541-A-C. GRCh37 (hg19) VCF-style: chr1-27099032-A-C.
Other names: c.3448A>C, p.Thr1150Pro (NM_139135.4); short protein forms T1150P.
Identifiers: ClinVar variation 2443223 (VCV002443223.2), dbSNP rs748450063, ClinGen allele CA339166164.